The following is an entry in ClinVar:

ClinVar aggregate classification (germline): Pathogenic (1 of 4 stars; one submission).

Conditions:
TH-deficient dopa-responsive dystonia. Also called: Tyrosine Hydroxylase-Deficient Dopa-Responsive Dystonia; Segawa syndrome, autosomal recessive; DYT-TH. Identifiers: Orphanet 101150, MedGen C2673535, MONDO:0011551, OMIM 605407.

Submission:

Labcorp Genetics (formerly Invitae), Labcorp
Classification: Pathogenic for TH-deficient dopa-responsive dystonia. Last evaluated: 2022-06-02. Review status: criteria provided, single submitter. Criteria: Invitae Variant Classification Sherloc (09022015). Collection method: clinical testing. Allele origin: germline.
Comment: For these reasons, this variant has been classified as Pathogenic. This variant has not been reported in the literature in individuals affected with TH-related conditions. This variant is not present in population databases (gnomAD no frequency). This sequence change creates a premature translational stop signal (p.Thr57Asnfs*49) in the TH gene. It is expected to result in an absent or disrupted protein product. Loss-of-function variants in TH are known to be pathogenic (PMID: 22264700, 24753243).

Literature cited by the submitters: PubMed 22264700; PubMed 24753243.

NM_000360.4(TH):c.91-833dup

Gene: TH (tyrosine hydroxylase; minus strand). Cytogenetic location: 11p15.5.
Variant type: Duplication.
Coding change: c.91-833dup on transcript NM_000360.4 (MANE Select); 833 bases into the intron before coding-DNA position 91, one base duplicated (A; older notation c.91-833dupA).
Molecular consequence: intron variant. On other transcripts: frameshift variant (2).
Genome position (GRCh38, 1-based): chr11:2,170,704, T duplicated on the plus strand (A on the coding strand, the reverse complement: TH is on the minus strand). VCF-style (leftmost placement, unchanged base first): chr11-2170703-G-GT. GRCh37 (hg19) VCF-style: chr11-2191933-G-GT.
Other names: c.169dup, p.Thr57fs (NM_199292.3); c.157dup, p.Thr53fs (NM_199293.3); short protein forms T53fs, T57fs.
Identifiers: ClinVar variation 1998536 (VCV001998536.4), dbSNP rs2495836165, ClinGen allele CA2580082713.
Genomic context (GRCh38, chr11:2,170,703, plus strand): 5'-ATGAAGGGGAGCAGCAGAAGCCCCTCCCAGAGTCCCCTCTTACTTACCCTTGGGGTGGGG[G>GT]TGTAGGATGCAGCTGGGGCTGCAGTTCCAGGCCACGGAGAGCCTGTGAGGCTGGGCCCCG-3'